The following is an entry in ClinVar:

NM_003613.4(CILP):c.2759A>G (p.Asp920Gly)

Gene: CILP (cartilage intermediate layer protein; minus strand). Cytogenetic location: 15q22.31.
Variant type: single nucleotide variant.
Coding change: c.2759A>G on transcript NM_003613.4 (MANE Select); coding-DNA position 2759, A replaced by G.
Protein change: p.Asp920Gly; replaces aspartic acid 920 with glycine.
Molecular consequence: missense variant.
Genome position (GRCh38, 1-based): chr15:65,197,527, T>C on the plus strand (A>G on the coding strand, the complement: CILP is on the minus strand). VCF-style: chr15-65197527-T-C. GRCh37 (hg19) VCF-style: chr15-65489865-T-C.
Other names: c.2759A>G (NM_003613.3); short protein forms D920G.
Identifiers: ClinVar variation 1049475 (VCV001049475.2), dbSNP rs771555017, ClinGen allele CA7615250.

ClinVar aggregate classification (germline): Uncertain significance. Review status: criteria provided, single submitter (1 of 4 stars). 2 submissions from 2 submitters: Uncertain significance (1). 1 of the submissions does not count toward it. Last evaluated 2025-06-12.

Allele frequency attached by ClinVar (database versions not stated): ExAC 0.00003; gnomAD exomes 0.00006; gnomAD 0.00003 and 0.00004.
gnomAD v4.1: 89 of 1,614,022 alleles (0.0055%); highest among the groups gnomAD compares: Admixed American, 0.0067%; no homozygotes.

Submissions (2):

Ambry Genetics
Classification: Uncertain significance. Last evaluated: 2025-06-12. Review status: criteria provided, single submitter. Criteria: Ambry Variant Classification Scheme 2023. Collection method: clinical testing. Allele origin: germline.

Department of Pathology and Laboratory Medicine, Sinai Health System
Classification: Uncertain significance. Review status: no assertion criteria provided. Collection method: clinical testing. Allele origin: unknown. Affected: yes. Study: The Canadian Open Genetics Repository (COGR). Not counted in ClinVar's aggregate classification.
Comment: The CILP p.Asp920Gly variant was not identified in the literature nor was it identified in ClinVar or LOVD 3.0. The variant was identified in dbSNP (ID: rs771555017). The variant was identified in control databases in 16 of 282844 chromosomes at a frequency of 0.00005657 (Genome Aggregation Database March 6, 2019, v2.1.1). The variant was observed in the following populations: Ashkenazi Jewish in 4 of 10366 chromosomes (freq: 0.000386), Other in 1 of 7226 chromosomes (freq: 0.000138), African in 2 of 24952 chromosomes (freq: 0.00008), European (non-Finnish) in 8 of 129178 chromosomes (freq: 0.000062) and Latino in 1 of 35436 chromosomes (freq: 0.000028), but was not observed in the East Asian, European (Finnish), or South Asian populations. The p.Asp920 residue is conserved across mammals and other organisms, and four out of five computational analyses (PolyPhen-2, SIFT, AlignGVGD, BLOSUM, MutationTaster) suggest that the variant may impact the protein; however, this information is not predictive enough to assume pathogenicity. The variant occurs outside of the splicing consensus sequence and in silico or computational prediction software programs (SpliceSiteFinder, MaxEntScan, NNSPLICE, GeneSplicer) do not predict a difference in splicing. In summary, based on the above information the clinical significance of this variant cannot be determined with certainty at this time. This variant is classified as a variant of uncertain significance.